The following is an entry in ClinVar:

NM_000719.7(CACNA1C):c.2363A>C (p.Gln788Pro)

Gene: CACNA1C (calcium voltage-gated channel subunit alpha1 C; plus strand). Cytogenetic location: 12p13.33.
Variant type: single nucleotide variant.
Coding change: c.2363A>C on transcript NM_000719.7 (MANE Select); coding-DNA position 2363, A replaced by C.
Protein change: p.Gln788Pro; replaces glutamine 788 with proline.
Molecular consequence: missense variant.
Genome position (GRCh38, 1-based): chr12:2,585,399, A>C. VCF-style: chr12-2585399-A-C. GRCh37 (hg19) VCF-style: chr12-2694565-A-C.
Other names: c.2363A>C, p.Gln788Pro (NM_001129827.2, NM_001129829.2, NM_001129830.3 and 18 more transcripts); c.2354A>C, p.Gln785Pro (NM_001129844.2); short protein forms Q785P, Q788P.
Identifiers: ClinVar variation 2865183 (VCV002865183.3), dbSNP rs2062040557, ClinGen allele CA383371654.

ClinVar aggregate classification (germline): Uncertain significance (1 of 4 stars; one submission).

Conditions:
Long QT syndrome (LQTS). Identifiers: MedGen C0023976, MeSH D008133, MONDO:0002442. Disease mechanism: loss of function. Inheritance: Various modes of inheritance.

Submission:

Labcorp Genetics (formerly Invitae), Labcorp
Classification: Uncertain significance for Long QT syndrome. Last evaluated: 2023-06-21. Review status: criteria provided, single submitter. Criteria: Invitae Variant Classification Sherloc (09022015). Collection method: clinical testing. Allele origin: germline.
Comment: In summary, the available evidence is currently insufficient to determine the role of this variant in disease. Therefore, it has been classified as a Variant of Uncertain Significance. Advanced modeling of protein sequence and biophysical properties (such as structural, functional, and spatial information, amino acid conservation, physicochemical variation, residue mobility, and thermodynamic stability) performed at Invitae indicates that this missense variant is not expected to disrupt CACNA1C protein function. This variant has not been reported in the literature in individuals affected with CACNA1C-related conditions. This variant is not present in population databases (gnomAD no frequency). This sequence change replaces glutamine, which is neutral and polar, with proline, which is neutral and non-polar, at codon 788 of the CACNA1C protein (p.Gln788Pro).